The following is an entry in ClinVar:

ClinVar aggregate classification (germline): Uncertain significance. Review status: criteria provided, multiple submitters, no conflicts (2 of 4 stars). 3 submissions from 3 submitters: Uncertain significance (3). Last evaluated 2024-09-24.

Conditions:
Joubert syndrome 25 (JBTS25). Identifiers: Orphanet 475, MedGen C4084842, MONDO:0014770, OMIM 616781.
Intellectual developmental disorder, autosomal recessive 77 (MRT77). Identifiers: MedGen C5774193, MONDO:0031031, OMIM 619988.

Allele frequency attached by ClinVar (database versions not stated): gnomAD 0.00003 and 0.00004; gnomAD exomes 0.00003 and 0.00004; ExAC 0.00004; TOPMed 0.00004.
gnomAD v4.1: 54 of 1,613,708 alleles (0.0033%); highest among the groups gnomAD compares: Non-Finnish European, 0.0042%; no homozygotes.

Submissions (3):

Institute of Human Genetics, Cologne University
Classification: Uncertain significance for Intellectual developmental disorder, autosomal recessive 77. Last evaluated: 2024-09-24. Review status: criteria provided, single submitter. Criteria: ACMG Guidelines, 2015. Collection method: clinical testing. Allele origin: germline.

Labcorp Genetics (formerly Invitae), Labcorp
Classification: Uncertain significance for Joubert syndrome 25. Last evaluated: 2023-07-14. Review status: criteria provided, single submitter. Criteria: Invitae Variant Classification Sherloc (09022015). Collection method: clinical testing. Allele origin: germline.
Comment: This variant has not been reported in the literature in individuals affected with CEP104-related conditions. In summary, the available evidence is currently insufficient to determine the role of this variant in disease. Therefore, it has been classified as a Variant of Uncertain Significance. An algorithm developed to predict the effect of missense changes on protein structure and function (PolyPhen-2) suggests that this variant is likely to be disruptive. ClinVar contains an entry for this variant (Variation ID: 493016). This variant is present in population databases (rs779086283, gnomAD 0.008%). This sequence change replaces lysine, which is basic and polar, with asparagine, which is neutral and polar, at codon 114 of the CEP104 protein (p.Lys114Asn).

CeGaT Center for Human Genetics Tuebingen
Classification: Uncertain significance. Last evaluated: 2023-05-01. Review status: criteria provided, single submitter. Criteria: CeGaT Center For Human Genetics Tuebingen Variant Classification Criteria Version 2. Collection method: clinical testing. Allele origin: germline. Affected: yes. Observed: 2 variant alleles.
Comment: CEP104: PM2, PP3

NM_014704.4(CEP104):c.342A>C (p.Lys114Asn)

Gene: CEP104 (centrosomal protein 104; minus strand). Cytogenetic location: 1p36.32.
Variant type: single nucleotide variant.
Coding change: c.342A>C on transcript NM_014704.4 (MANE Select); coding-DNA position 342, A replaced by C.
Protein change: p.Lys114Asn; replaces lysine 114 with asparagine.
Molecular consequence: missense variant.
Genome position (GRCh38, 1-based): chr1:3,847,559, T>G on the plus strand (A>C on the coding strand, the complement: CEP104 is on the minus strand). VCF-style: chr1-3847559-T-G. GRCh37 (hg19) VCF-style: chr1-3764123-T-G.
Other names: short protein forms K114N.
Identifiers: ClinVar variation 493016 (VCV000493016.49), dbSNP rs779086283, ClinGen allele CA551993.